The following is an entry in ClinVar:

ClinVar aggregate classification (germline): Benign/Likely benign. Review status: criteria provided, multiple submitters, no conflicts (2 of 4 stars). 2 submissions from 2 submitters: Benign (1); Likely benign (1). Last evaluated 2024-11-06.

Conditions:
Hereditary cancer-predisposing syndrome. Also called: Neoplastic Syndromes, Hereditary; Tumor predisposition; Hereditary Cancer Syndrome; Hereditary neoplastic syndrome. Identifiers: Orphanet 140162, MedGen C0027672, MeSH D009386, MONDO:0015356.
Papillary renal cell carcinoma type 1 (RCCP1). Also called: Renal adenocarcinoma; Renal cell carcinoma 1; Renal cell carcinoma, somatic; RENAL CELL CARCINOMA, PAPILLARY, 1, SOMATIC. Identifiers: Orphanet 47044, MedGen C1336839, OMIM 605074, HP:0011797.

Submissions (2):

Myriad Genetics, Inc.
Classification: Benign for Papillary renal cell carcinoma type 1. Last evaluated: 2024-11-06. Review status: criteria provided, single submitter. Criteria: Myriad Autosomal Dominant, Autosomal Recessive and X-Linked Classification Criteria (2023). Collection method: clinical testing. Allele origin: unknown.
Comment: This variant is considered benign. This variant is a silent/synonymous amino acid change and it is not expected to impact splicing.

Ambry Genetics
Classification: Likely benign for Hereditary cancer-predisposing syndrome. Last evaluated: 2019-12-29. Review status: criteria provided, single submitter. Criteria: Ambry Variant Classification Scheme 2023. Collection method: clinical testing. Allele origin: germline.

NM_000245.4(MET):c.861A>T (p.Gly287=)

Gene: MET (MET proto-oncogene, receptor tyrosine kinase; plus strand). Cytogenetic location: 7q31.2.
Variant type: single nucleotide variant.
Coding change: c.861A>T on transcript NM_000245.4 (MANE Select); coding-DNA position 861, A replaced by T.
Protein change: p.Gly287=; no amino-acid change (glycine 287 retained).
Molecular consequence: synonymous variant. On other transcripts: intron variant (1).
Genome position (GRCh38, 1-based): chr7:116,699,945, A>T. VCF-style: chr7-116699945-A-T. GRCh37 (hg19) VCF-style: chr7-116339999-A-T.
Other names: c.861A>T, p.Gly287= (NM_001127500.3, NM_001324401.3); c.-91+27368A>T (NM_001324402.2).
Identifiers: ClinVar variation 1764053 (VCV001764053.3), dbSNP rs2116599749, ClinGen allele CA457448073.